The following is an entry in ClinVar:

ClinVar aggregate classification (germline): Benign (0 of 4 stars; one submission).

Conditions:
HIVEP3-related disorder. Also called: HIVEP3-related condition.

Allele frequency attached by ClinVar (database versions not stated): gnomAD 0.00509; ESP Exome Variant Server 0.00531; TOPMed 0.00584; 1000 Genomes Project 0.00899; 1000 Genomes Project 30x 0.00921.
gnomAD v4.1: 1,599 of 1,613,552 alleles (0.099%); highest among the groups gnomAD compares: African/African-American, 1.9%; 13 homozygotes.

Submission:

PreventionGenetics, part of Exact Sciences
Classification: Benign for HIVEP3-related condition. Last evaluated: 2019-02-21. Review status: no assertion criteria provided. Collection method: clinical testing. Allele origin: germline.
Comment: This variant is classified as benign based on ACMG/AMP sequence variant interpretation guidelines (Richards et al. 2015 PMID: 25741868, with internal and published modifications).

NM_024503.5(HIVEP3):c.6002G>A (p.Arg2001Gln)

Gene: HIVEP3 (HIVEP zinc finger 3; minus strand). Cytogenetic location: 1p34.2.
Variant type: single nucleotide variant.
Coding change: c.6002G>A on transcript NM_024503.5 (MANE Select); coding-DNA position 6002, G replaced by A.
Protein change: p.Arg2001Gln; replaces arginine 2001 with glutamine.
Molecular consequence: missense variant.
Genome position (GRCh38, 1-based): chr1:41,513,219, C>T on the plus strand (G>A on the coding strand, the complement: HIVEP3 is on the minus strand). VCF-style: chr1-41513219-C-T. GRCh37 (hg19) VCF-style: chr1-41978890-C-T.
Other names: c.6002G>A, p.Arg2001Gln (NM_001127714.3); short protein forms R2001Q.
Identifiers: ClinVar variation 3050347 (VCV003050347.2), dbSNP rs115461072, ClinGen allele CA797315.